The following is an entry in ClinVar:

ClinVar aggregate classification (germline): Uncertain significance (1 of 4 stars; one submission).

Conditions:
PKD1L1-related disorder. Also called: PKD1L1-related condition.

gnomAD v4.1: 25 of 1,613,732 alleles (0.0015%); highest among the groups gnomAD compares: African/African-American, 0.032%; no homozygotes.

Submission:

PreventionGenetics, part of Exact Sciences
Classification: Uncertain significance for PKD1L1-related condition. Last evaluated: 2025-06-10. Review status: criteria provided, single submitter. Criteria: ACMG Guidelines, 2015. Collection method: clinical testing. Allele origin: germline.
Comment: The PKD1L1 c.6474G>A variant is not predicted to result in an amino acid change (p.=). To our knowledge, this variant has not been reported in the literature. This variant is reported in 0.016% of alleles in individuals of African descent in gnomAD. This variant is predicted to alter splicing based on available splicing prediction programs (SpliceAI, Jaganathan et al. 2019. PubMed ID: 30661751). However, the use of computer prediction programs is not equivalent to functional evidence. At this time, the clinical significance of this variant is uncertain due to the absence of conclusive functional and genetic evidence.

NM_138295.5(PKD1L1):c.6474G>A (p.Arg2158=)

Gene: PKD1L1 (polycystin 1 like 1, transient receptor potential channel interacting; minus strand). Cytogenetic location: 7p12.3.
Variant type: single nucleotide variant.
Coding change: c.6474G>A on transcript NM_138295.5 (MANE Select); coding-DNA position 6474, G replaced by A.
Protein change: p.Arg2158=; no amino-acid change (arginine 2158 retained).
Molecular consequence: synonymous variant.
Genome position (GRCh38, 1-based): chr7:47,830,124, C>T on the plus strand (G>A on the coding strand, the complement: PKD1L1 is on the minus strand). VCF-style: chr7-47830124-C-T. GRCh37 (hg19) VCF-style: chr7-47869722-C-T.
Identifiers: ClinVar variation 4984247 (VCV004984247.1).